The following is an entry in ClinVar:

NM_000038.6(APC):c.1744-2827C>T

Gene: APC (APC regulator of WNT signaling pathway; plus strand). Cytogenetic location: 5q22.2.
Variant type: single nucleotide variant.
Coding change: c.1744-2827C>T on transcript NM_000038.6 (MANE Select); 2827 bases into the intron before coding-DNA position 1744, C replaced by T.
Molecular consequence: intron variant.
Genome position (GRCh38, 1-based): chr5:112,832,124, C>T. VCF-style: chr5-112832124-C-T. GRCh37 (hg19) VCF-style: chr5-112167821-C-T.
Other names: c.1744-2827C>T (NM_001354895.2, NM_001127510.3); c.1774-2827C>T (NM_001354897.2); c.1471-2827C>T (NM_001354902.2); c.1690-2827C>T (NM_001127511.3); c.1669-2827C>T (NM_001354898.2); c.1366-2827C>T (NM_001354904.2); c.895-2827C>T (NM_001354906.2); c.1798-2827C>T (NM_001354896.2); and 5 more.
Identifiers: ClinVar variation 83184 (VCV000083184.2), dbSNP rs569940, ClinGen allele CA005872.

ClinVar aggregate classification (germline): other (0 of 4 stars; one submission).

Conditions:
Familial colorectal cancer. Identifiers: MedGen CN280943, MONDO:0023113. Disease mechanism: loss of function.

Allele frequency attached by ClinVar (database versions not stated): TOPMed 0.55985; 1000 Genomes Project 30x 0.61774; 1000 Genomes Project 0.62001; gnomAD 0.53850 and 0.54723.
gnomAD v4.1: 83,104 of 151,870 alleles (55%); highest among the groups gnomAD compares: East Asian, 82%; 23,283 homozygotes.

Submission:

Systems Biology Platform Zhejiang California International NanoSystems Institute
Classification: other for Familial colorectal cancer. Review status: no assertion criteria provided. Collection method: not provided. Allele origin: unknown.
ClinVar note: Converted during submission from cancer to other.